The following is an entry in ClinVar:

ClinVar aggregate classification (germline): Likely benign (1 of 4 stars; one submission).

Conditions:
SIL1-related disorder. Also called: SIL1-related condition.

gnomAD v4.1: 2 of 1,614,124 alleles (0.00012%); highest among the groups gnomAD compares: Admixed American, 0.0033%; no homozygotes.

Submission:

PreventionGenetics, part of Exact Sciences
Classification: Likely benign for SIL1-related condition. Last evaluated: 2026-07-09. Review status: criteria provided, single submitter. Criteria: ACMG Guidelines, 2015. Collection method: clinical testing. Allele origin: germline.
Comment: This variant is classified as likely benign based on ACMG/AMP sequence variant interpretation guidelines (Richards et al. 2015 PMID: 25741868, with internal and published modifications).

NM_022464.5(SIL1):c.222T>C (p.His74=)

Gene: SIL1 (SIL1 nucleotide exchange factor; minus strand). Cytogenetic location: 5q31.2.
Variant type: single nucleotide variant.
Coding change: c.222T>C on transcript NM_022464.5 (MANE Select); coding-DNA position 222, T replaced by C.
Protein change: p.His74=; no amino-acid change (histidine 74 retained).
Molecular consequence: synonymous variant.
Genome position (GRCh38, 1-based): chr5:139,121,057, A>G on the plus strand (T>C on the coding strand, the complement: SIL1 is on the minus strand). VCF-style: chr5-139121057-A-G. GRCh37 (hg19) VCF-style: chr5-138456746-A-G.
Other names: c.222T>C, p.His74= (NM_001037633.2).
Identifiers: ClinVar variation 4988083 (VCV004988083.1).